The following is an entry in ClinVar:

ClinVar aggregate classification (germline): Pathogenic (1 of 4 stars; one submission).

Submission:

Labcorp Genetics (formerly Invitae), Labcorp
Classification: Pathogenic. Last evaluated: 2021-11-18. Review status: criteria provided, single submitter. Criteria: Invitae Variant Classification Sherloc (09022015). Collection method: clinical testing. Allele origin: germline.
Comment: This sequence change replaces glycine, which is neutral and non-polar, with serine, which is neutral and polar, at codon 681 of the COL4A5 protein (p.Gly681Ser). This variant also falls at the last nucleotide of exon 26, which is part of the consensus splice site for this exon. For these reasons, this variant has been classified as Pathogenic. This variant disrupts the triple helix domain of COL4A5. Glycine residues within the Gly-Xaa-Yaa repeats of the triple helix domain are required for the structure and stability of fibrillar collagens (PMID: 7695699, 8218237, 19344236). In COL4A5, missense variants at these glycine residues are significantly enriched in individuals with disease (PMID: 23720012, 27627812) compared to the general population (ExAC). Variants that disrupt the consensus splice site are a relatively common cause of aberrant splicing (PMID: 17576681, 9536098). Algorithms developed to predict the effect of sequence changes on RNA splicing suggest that this variant may disrupt the consensus splice site. Algorithms developed to predict the effect of missense changes on protein structure and function are either unavailable or do not agree on the potential impact of this missense change (SIFT: "Deleterious"; PolyPhen-2: "Not Available"; Align-GVGD: "Class C0"). ClinVar contains an entry for this variant (Variation ID: 840783). This variant has not been reported in the literature in individuals affected with COL4A5-related conditions. This variant is not present in population databases (gnomAD no frequency).

Literature cited by the submitters: PubMed 7695699; PubMed 8218237; PubMed 19344236; PubMed 23720012; PubMed 27627812; PubMed 17576681; PubMed 9536098.

NM_033380.3(COL4A5):c.2041G>A (p.Gly681Ser)

Gene: COL4A5 (collagen type IV alpha 5 chain; plus strand). Cytogenetic location: Xq22.3.
Variant type: single nucleotide variant.
Coding change: c.2041G>A on transcript NM_033380.3 (MANE Select); coding-DNA position 2041, G replaced by A.
Protein change: p.Gly681Ser; replaces glycine 681 with serine.
Molecular consequence: missense variant.
Genome position (GRCh38, 1-based): chrX:108,601,485, G>A. VCF-style: chrX-108601485-G-A. GRCh37 (hg19) VCF-style: chrX-107844715-G-A.
Other names: c.2041G>A, p.Gly681Ser (NM_000495.5); short protein forms G681S.
Identifiers: ClinVar variation 840783 (VCV000840783.7), dbSNP rs2066627294, ClinGen allele CA413846879.